The following is an entry in ClinVar:

NM_001195427.2(SRSF2):c.144C>T (p.Asp48=)

Genes: MFSD11 (major facilitator superfamily domain containing 11; plus strand), SRSF2 (serine and arginine rich splicing factor 2; minus strand). Cytogenetic location: 17q25.1.
Variant type: single nucleotide variant.
Coding change: c.144C>T on transcript NM_001195427.2 (MANE Select); coding-DNA position 144, C replaced by T.
Protein change: p.Asp48=; no amino-acid change (aspartic acid 48 retained).
Molecular consequence: synonymous variant. On other transcripts: non-coding transcript variant (4), 5 prime UTR variant (2).
Genome position (GRCh38, 1-based): chr17:76,737,017, G>A on the plus strand (C>T on the coding strand, the complement: SRSF2 is on the minus strand). VCF-style: chr17-76737017-G-A. GRCh37 (hg19) VCF-style: chr17-74733099-G-A.
Other names: c.144C>T, p.Asp48= (NM_003016.5); c.-146G>A (NM_001242534.3); c.-141G>A (NM_001353017.2).
Identifiers: ClinVar variation 3058855 (VCV003058855.2), dbSNP rs237057, ClinGen allele CA8790441.

ClinVar aggregate classification (germline): Benign (0 of 4 stars; one submission).

Conditions:
SRSF2-related disorder. Also called: SRSF2-related condition.

Allele frequency attached by ClinVar (database versions not stated): ESP Exome Variant Server 0.79697; 1000 Genomes Project 30x 0.77795; 1000 Genomes Project 0.78554; TOPMed 0.79303; gnomAD 0.80675; ExAC 0.88863; gnomAD exomes 0.91793.
gnomAD v4.1: 1,463,153 of 1,613,358 alleles (91%); highest among the groups gnomAD compares: Non-Finnish European, 93%; 670,295 homozygotes.

Submission:

PreventionGenetics, part of Exact Sciences
Classification: Benign for SRSF2-related condition. Last evaluated: 2022-05-03. Review status: no assertion criteria provided. Collection method: clinical testing. Allele origin: germline.
Comment: This variant is classified as benign based on ACMG/AMP sequence variant interpretation guidelines (Richards et al. 2015 PMID: 25741868, with internal and published modifications).